The following is an entry in ClinVar:

NM_000836.4(GRIN2D):c.3110C>T (p.Ala1037Val)

Gene: GRIN2D (glutamate ionotropic receptor NMDA type subunit 2D; plus strand). Cytogenetic location: 19q13.33.
Variant type: single nucleotide variant.
Coding change: c.3110C>T on transcript NM_000836.4 (MANE Select); coding-DNA position 3110, C replaced by T.
Protein change: p.Ala1037Val; replaces alanine 1037 with valine.
Molecular consequence: missense variant.
Genome position (GRCh38, 1-based): chr19:48,443,036, C>T. VCF-style: chr19-48443036-C-T. GRCh37 (hg19) VCF-style: chr19-48946293-C-T.
Other names: short protein forms A1037V.
Identifiers: ClinVar variation 2895215 (VCV002895215.3), dbSNP rs1273329421, ClinGen allele CA406674899.

ClinVar aggregate classification (germline): Uncertain significance (1 of 4 stars; one submission).

Allele frequency attached by ClinVar (database versions not stated): TOPMed below 0.00001; gnomAD 0.00001.

Submission:

Labcorp Genetics (formerly Invitae), Labcorp
Classification: Uncertain significance. Last evaluated: 2023-04-06. Review status: criteria provided, single submitter. Criteria: Invitae Variant Classification Sherloc (09022015). Collection method: clinical testing. Allele origin: germline.
Comment: This sequence change replaces alanine, which is neutral and non-polar, with valine, which is neutral and non-polar, at codon 1037 of the GRIN2D protein (p.Ala1037Val). The frequency data for this variant in the population databases is considered unreliable, as metrics indicate insufficient coverage at this position in the gnomAD database. This variant has not been reported in the literature in individuals affected with GRIN2D-related conditions. Advanced modeling of protein sequence and biophysical properties (such as structural, functional, and spatial information, amino acid conservation, physicochemical variation, residue mobility, and thermodynamic stability) performed at Invitae indicates that this missense variant is not expected to disrupt GRIN2D protein function. In summary, the available evidence is currently insufficient to determine the role of this variant in disease. Therefore, it has been classified as a Variant of Uncertain Significance.